The following is an entry in ClinVar:

ClinVar aggregate classification (germline): Conflicting classifications of pathogenicity. Review status: criteria provided, conflicting classifications (1 of 4 stars). 2 submissions from 2 submitters: Uncertain significance (1); Likely benign (1). Last evaluated 2023-03-23.

Conditions:
Hereditary cancer-predisposing syndrome. Also called: Hereditary neoplastic syndrome; Hereditary Cancer Syndrome; Neoplastic Syndromes, Hereditary; Tumor predisposition. Identifiers: Orphanet 140162, MedGen C0027672, MeSH D009386, MONDO:0015356.
Hereditary breast ovarian cancer syndrome. Also called: BRCA1- and BRCA2-Associated Hereditary Breast and Ovarian Cancer; Hereditary breast and ovarian cancer syndrome; Hereditary breast and ovarian cancer; Hereditary breast and ovarian cancer syndrome (HBOC); Breast and ovarian cancer; Hereditary breast and/or ovarian cancer syndrome. Identifiers: Orphanet 145, MedGen C0677776, MeSH D061325, MONDO:0003582. Disease mechanism: loss of function.

Submissions (2):

University of Washington Department of Laboratory Medicine, University of Washington
Classification: Likely benign for Hereditary cancer-predisposing syndrome. Last evaluated: 2023-03-23. Review status: criteria provided, single submitter. Criteria: Dines et al. (Genet Med. 2020). Collection method: curation. Allele origin: germline.
Comment: Missense variant in a coldspot region where missense variants are very unlikely to be pathogenic (PMID:31911673).

BRCA2 exon 11 coldspot. Reclassification based on statistical prior probability.

Labcorp Genetics (formerly Invitae), Labcorp
Classification: Uncertain significance for Hereditary breast ovarian cancer syndrome. Last evaluated: 2015-12-25. Review status: criteria provided, single submitter. Criteria: Invitae Variant Classification Sherloc (09022015). Collection method: clinical testing. Allele origin: germline.
Comment: Algorithms developed to predict the effect of missense changes on protein structure and function (SIFT, PolyPhen-2, Align-GVGD) all suggest that this variant is likely to be tolerated, but these predictions have not been confirmed by published functional studies. In addition, the histidine amino acid residue is found in multiple mammalian species, suggesting that this missense change does not adversely affect protein function. This variant is not present in population databases (ExAC no frequency) and has not been reported in the literature in individuals with a BRCA2-related disease. However, a different nucleotide change (c.5103A>T) giving rise to the same protein effect has been reported as 5331A>T in an individual affected with breast cancer (PMID: 16875939). This sequence change replaces glutamine with histidine at codon 1701 of the BRCA2 protein (p.Gln1701His). The glutamine residue is weakly conserved and there is a small physicochemical difference between glutamine and histidine. In summary, this is a novel missense change that is not predicted to affect protein function or cause disease. However the evidence is insufficient at this time to prove that conclusively. It has been classified as a Variant of Uncertain Significance.

Literature cited by the submitters: PubMed 16875939 (cited by Labcorp Genetics (formerly Invitae), Labcorp).

NM_000059.4(BRCA2):c.5103A>C (p.Gln1701His)

Gene: BRCA2 (BRCA2 DNA repair associated; plus strand). Cytogenetic location: 13q13.1.
Variant type: single nucleotide variant.
Coding change: c.5103A>C on transcript NM_000059.4 (MANE Select); coding-DNA position 5103, A replaced by C.
Protein change: p.Gln1701His; replaces glutamine 1701 with histidine.
Molecular consequence: missense variant.
Genome position (GRCh38, 1-based): chr13:32,339,458, A>C. VCF-style: chr13-32339458-A-C. GRCh37 (hg19) VCF-style: chr13-32913595-A-C.
Other names: short protein forms Q1701H.
Identifiers: ClinVar variation 236876 (VCV000236876.8), dbSNP rs878853587, ClinGen allele CA10583111.